The following is an entry in ClinVar:

ClinVar aggregate classification (germline): Likely pathogenic (1 of 4 stars; one submission).

Conditions:
Cardiomyopathy, familial hypertrophic 27. Identifiers: MedGen C4748014, MONDO:0054838, OMIM 618052.

Submission:

3billion
Classification: Likely pathogenic for Cardiomyopathy, familial hypertrophic 27. Last evaluated: 2022-09-01. Review status: criteria provided, single submitter. Criteria: ACMG Guidelines, 2015. Collection method: clinical testing. Allele origin: germline. Affected: yes. Observed: 1 heterozygote.
Comment: The variant is not observed in the gnomAD v2.1.1 dataset. This stop-gained (nonsense) is predicted to result in a loss or disruption of normal protein function through nonsense-mediated decay (NMD) or protein truncation. Multiple pathogenic variants are reported downstream of the variant. Therefore, this variant is classified as Likely pathogenic according to the recommendation of ACMG/AMP guideline.

NM_020778.5(ALPK3):c.3691G>T (p.Glu1231Ter)

Gene: ALPK3 (alpha kinase 3; plus strand). Cytogenetic location: 15q25.3.
Variant type: single nucleotide variant.
Coding change: c.3691G>T on transcript NM_020778.5 (MANE Select); coding-DNA position 3691, G replaced by T.
Protein change: p.Glu1231Ter; replaces glutamic acid 1231 with a stop codon.
Molecular consequence: nonsense.
Genome position (GRCh38, 1-based): chr15:84,858,429, G>T. VCF-style: chr15-84858429-G-T. GRCh37 (hg19) VCF-style: chr15-85401660-G-T.
Other names: short protein forms E1231*, E1433*.
Identifiers: ClinVar variation 1705567 (VCV001705567.1), dbSNP rs1218016810, ClinGen allele CA393360767.